The following is an entry in ClinVar:

ClinVar aggregate classification (germline): Uncertain significance. Review status: criteria provided, multiple submitters, no conflicts (2 of 4 stars). 4 submissions from 4 submitters: Uncertain significance (4). Last evaluated 2025-08-04.

Conditions:
Progressive sclerosing poliodystrophy (MTDPS4A). Also called: Alpers-Huttenlocher Syndrome (AHS); NEURONAL DEGENERATION OF CHILDHOOD WITH LIVER DISEASE, PROGRESSIVE; ALPERS DIFFUSE DEGENERATION OF CEREBRAL GRAY MATTER WITH HEPATIC CIRRHOSIS; Mitochondrial DNA depletion syndrome 4A (Alpers type); Mitochondrial DNA Depletion Syndrome 4A; Alpers Syndrome. Identifiers: Orphanet 726, MedGen C0205710, MONDO:0008758, OMIM 203700.
Mitochondrial DNA depletion syndrome 1. Also called: POLIP SYNDROME; POLYNEUROPATHY, OPHTHALMOPLEGIA, LEUKOENCEPHALOPATHY, AND INTESTINAL PSEUDOOBSTRUCTION; Mitochondrial Neurogastrointestinal Encephalopathy Disease; MITOCHONDRIAL NEUROGASTROINTESTINAL ENCEPHALOPATHY SYNDROME, TYMP-RELATED; MNGIE, TYMP-RELATED; Mitochondrial DNA Depletion Syndrome, MNGIE Form. Identifiers: Orphanet 298, MedGen C4551995, MONDO:0011283, OMIM 603041.
Sensory ataxic neuropathy, dysarthria, and ophthalmoparesis (SANDO). Also called: SENSORY ATAXIC NEUROPATHY WITH MITOCHONDRIAL DNA DELETIONS, AUTOSOMAL RECESSIVE; Epilepsy, progressive myoclonic, type 5; Ataxia Neuropathy Spectrum (ANS); Sensory ataxic neuropathy-dysarthria-ophthalmoparesis syndrome. Identifiers: Orphanet 70595, MedGen C1843851, MONDO:0011835, OMIM 607459.
Mitochondrial DNA depletion syndrome 4b. Also called: Mitochondrial Neurogastrointestinal Encephalopathy Disease, POLG-Related; MNGIE, POLG-RELATED. Identifiers: Orphanet 298, MedGen C3150914, MONDO:0013350, OMIM 613662.
Progressive external ophthalmoplegia with mitochondrial DNA deletions, autosomal recessive 1 (PEOB1). Also called: Autosomal Recessive Progressive External Ophthalmoplegia (arPEO); Progressive external ophthalmoplegia, autosomal recessive 1. Identifiers: Orphanet 254886, MedGen C4225153, MONDO:0009783, OMIM 258450.
Progressive external ophthalmoplegia with mitochondrial DNA deletions, autosomal dominant 1 (PEOA1). Also called: Autosomal Dominant Progressive External Ophthalmoplegia (adPEO); PROGRESSIVE EXTERNAL OPHTHALMOPLEGIA, AUTOSOMAL DOMINANT 1. Identifiers: MedGen C1834846, MONDO:0024528, OMIM 157640.

Allele frequency attached by ClinVar (database versions not stated): ExAC 0.00001; gnomAD 0.00002; TOPMed 0.00002; gnomAD exomes 0.00001.
gnomAD v4.1: 13 of 1,613,972 alleles (0.00081%); highest among the groups gnomAD compares: South Asian, 0.0044%; no homozygotes.

Submissions (4):

GeneDx
Classification: Uncertain significance. Last evaluated: 2025-08-04. Review status: criteria provided, single submitter. Criteria: GeneDx Variant Classification Process June 2021. Collection method: clinical testing. Allele origin: germline.
Comment: Has not been previously published as pathogenic or benign to our knowledge; Not observed at significant frequency in large population cohorts (gnomAD); In silico analysis suggests that this missense variant does not alter protein structure/function

Labcorp Genetics (formerly Invitae), Labcorp
Classification: Uncertain significance for Progressive sclerosing poliodystrophy. Last evaluated: 2024-08-17. Review status: criteria provided, single submitter. Criteria: Invitae Variant Classification Sherloc (09022015). Collection method: clinical testing. Allele origin: germline.
Comment: This sequence change replaces arginine, which is basic and polar, with histidine, which is basic and polar, at codon 823 of the POLG protein (p.Arg823His). This variant is present in population databases (rs751172552, gnomAD 0.006%). This variant has not been reported in the literature in individuals affected with POLG-related conditions. ClinVar contains an entry for this variant (Variation ID: 448102). Invitae Evidence Modeling of protein sequence and biophysical properties (such as structural, functional, and spatial information, amino acid conservation, physicochemical variation, residue mobility, and thermodynamic stability) has been performed for this missense variant. However, the output from this modeling did not meet the statistical confidence thresholds required to predict the impact of this variant on POLG protein function. In summary, the available evidence is currently insufficient to determine the role of this variant in disease. Therefore, it has been classified as a Variant of Uncertain Significance.

Fulgent Genetics
Classification: Uncertain significance for Progressive external ophthalmoplegia with mitochondrial DNA deletions, autosomal dominant 1; Progressive sclerosing poliodystrophy; Progressive external ophthalmoplegia with mitochondrial DNA deletions, autosomal recessive 1; Mitochondrial DNA depletion syndrome 1; Sensory ataxic neuropathy, dysarthria, and ophthalmoparesis; Mitochondrial DNA depletion syndrome 4b. Last evaluated: 2018-10-31. Review status: criteria provided, single submitter. Criteria: ACMG Guidelines, 2015. Collection method: clinical testing. Allele origin: unknown.

Athena Diagnostics
Classification: Uncertain significance. Last evaluated: 2017-06-30. Review status: criteria provided, single submitter. Criteria: Athena Diagnostics Criteria. Collection method: clinical testing. Allele origin: germline.

NM_002693.3(POLG):c.2468G>A (p.Arg823His)

Gene: POLG (DNA polymerase gamma, catalytic subunit; minus strand). Cytogenetic location: 15q26.1.
Variant type: single nucleotide variant.
Coding change: c.2468G>A on transcript NM_002693.3 (MANE Select); coding-DNA position 2468, G replaced by A.
Protein change: p.Arg823His; replaces arginine 823 with histidine.
Molecular consequence: missense variant.
Genome position (GRCh38, 1-based): chr15:89,321,974, C>T on the plus strand (G>A on the coding strand, the complement: POLG is on the minus strand). VCF-style: chr15-89321974-C-T. GRCh37 (hg19) VCF-style: chr15-89865205-C-T.
Other names: c.2468G>A, p.Arg823His (NM_001126131.2); short protein forms R823H.
Identifiers: ClinVar variation 448102 (VCV000448102.11), dbSNP rs751172552, ClinGen allele CA7724466.